The following is an entry in ClinVar:

ClinVar aggregate classification (germline): Uncertain significance (1 of 4 stars; one submission).

Conditions:
Duchenne muscular dystrophy (DMD). Also called: MUSCULAR DYSTROPHY, PSEUDOHYPERTROPHIC PROGRESSIVE, DUCHENNE TYPE; Duchenne Muscular Dystrophy (DMD). Identifiers: Orphanet 98896, MedGen C0013264, MONDO:0010679, OMIM 310200.

Submission:

Labcorp Genetics (formerly Invitae), Labcorp
Classification: Uncertain significance for Duchenne muscular dystrophy. Last evaluated: 2021-12-01. Review status: criteria provided, single submitter. Criteria: Invitae Variant Classification Sherloc (09022015). Collection method: clinical testing. Allele origin: germline.
Comment: In summary, the available evidence is currently insufficient to determine the role of this variant in disease. Therefore, it has been classified as a Variant of Uncertain Significance. Algorithms developed to predict the effect of missense changes on protein structure and function are either unavailable or do not agree on the potential impact of this missense change (SIFT: "Deleterious"; PolyPhen-2: "Benign"; Align-GVGD: "Class C0"). This variant has not been reported in the literature in individuals affected with DMD-related conditions. This variant is not present in population databases (gnomAD no frequency). This sequence change replaces isoleucine, which is neutral and non-polar, with serine, which is neutral and polar, at codon 2353 of the DMD protein (p.Ile2353Ser).

NM_004006.3(DMD):c.7058T>G (p.Ile2353Ser)

Gene: DMD (dystrophin; minus strand). Cytogenetic location: Xp21.1.
Variant type: single nucleotide variant.
Coding change: c.7058T>G on transcript NM_004006.3 (MANE Select); coding-DNA position 7058, T replaced by G.
Protein change: p.Ile2353Ser; replaces isoleucine 2353 with serine.
Molecular consequence: missense variant. On other transcripts: 5 prime UTR variant (5).
Genome position (GRCh38, 1-based): chrX:31,875,228, A>C on the plus strand (T>G on the coding strand, the complement: DMD is on the minus strand). VCF-style: chrX-31875228-A-C. GRCh37 (hg19) VCF-style: chrX-31893345-A-C.
Other names: c.7034T>G, p.Ile2345Ser (NM_000109.4); c.7046T>G, p.Ile2349Ser (NM_004009.3); c.6689T>G, p.Ile2230Ser (NM_004010.3); c.3035T>G, p.Ile1012Ser (NM_004011.4); c.3026T>G, p.Ile1009Ser (NM_004012.4); c.-323T>G (NM_004013.3, NM_004020.4, NM_004021.3 and 2 more transcripts); short protein forms I2353S, I1012S, I2230S, I2345S, I1009S, I2349S.
Identifiers: ClinVar variation 2023325 (VCV002023325.4), dbSNP rs2532453119, ClinGen allele CA412659946.
Genomic context (GRCh38, chrX:31,875,228, plus strand): 5'-TAAAGCAAAAAGTTCCCTACCTTAACGTCAAATGGTCCTTCTTGGTTTGGTTGGTTATAA[A>C]TTTCCAACTGATTCCTAATAGGAGATAACCACAGCAGCAGATGATTTAACTGCTCTTCAA-3'
Protein context (NP_003997.2, residues 2343-2363): WLSPIRNQLE[Ile2353Ser]YNQPNQEGPF